The following is an entry in ClinVar:

NM_000256.3(MYBPC3):c.1809del (p.Ile603fs)

Gene: MYBPC3 (myosin binding protein C3; minus strand). Cytogenetic location: 11p11.2.
Variant type: Deletion.
Coding change: c.1809del on transcript NM_000256.3 (MANE Select); coding-DNA position 1809, one base deleted (T; older notation c.1809delT).
Protein change: p.Ile603fs; shifts the reading frame from isoleucine 603.
Molecular consequence: frameshift variant.
Genome position (GRCh38, 1-based): chr11:47,341,226, A deleted on the plus strand (T on the coding strand, the reverse complement: MYBPC3 is on the minus strand); the first of 2 consecutive A bases (chr11:47,341,226-47,341,227); deleting either gives the same sequence. VCF-style (leftmost placement, unchanged base first): chr11-47341225-CA-C. GRCh37 (hg19) VCF-style: chr11-47362776-CA-C.
Other names: c.1809del, p.Ile603fs (LRG_386t1); c.1809delT (NM_000256.3); short protein forms I603fs.
Identifiers: ClinVar variation 420424 (VCV000420424.2), dbSNP rs1064794471, ClinGen allele CA16619340.

ClinVar aggregate classification (germline): Likely pathogenic (1 of 4 stars; one submission).

Submission:

GeneDx
Classification: Likely pathogenic. Last evaluated: 2016-02-01. Review status: criteria provided, single submitter. Criteria: GeneDx Variant Classification (06012015). Collection method: clinical testing. Allele origin: germline. Affected: yes.
Comment: Although the c.1809delT likely pathogenic variant in the MYBPC3 gene has not been reported to our knowledge, this variant causes a shift in reading frame starting at codon Isoleucine 603, changing it to a Methionine, and creating a premature stop codon at position 60 of the new reading frame, denoted p.Ile603MetfsX60. This likely pathogenic variant is expected to result in either an abnormal, truncated protein product or loss of protein from this allele through nonsense-mediated mRNA decay. Other frameshift variants in the MYBPC3 gene have been reported in HGMD in association with HCM (Stenson et al., 2014). Furthermore, the c.1809delT variant was not observed in approximately 6,200 individuals of European and African American ancestry in the NHLBI Exome Sequencing Project, indicating it is not a common benign variant in these populations.